The following is an entry in ClinVar:

NM_003072.5(SMARCA4):c.3687C>T (p.Ile1229=)

Gene: SMARCA4 (SWI/SNF related BAF chromatin remodeling complex subunit ATPase 4; plus strand). Cytogenetic location: 19p13.2.
Variant type: single nucleotide variant.
Coding change: c.3687C>T on transcript NM_003072.5 (MANE Select); coding-DNA position 3687, C replaced by T.
Protein change: p.Ile1229=; no amino-acid change (isoleucine 1229 retained).
Molecular consequence: synonymous variant. On other transcripts: non-coding transcript variant (1).
Genome position (GRCh38, 1-based): chr19:11,033,430, C>T. VCF-style: chr19-11033430-C-T. GRCh37 (hg19) VCF-style: chr19-11144106-C-T.
Other names: c.3687C>T, p.Ile1229= (NM_001128844.3, NM_001128845.2, NM_001128846.2 and 6 more transcripts).
Identifiers: ClinVar variation 2446057 (VCV002446057.6), dbSNP rs889691005, ClinGen allele CA305290514.

ClinVar aggregate classification (germline): Conflicting classifications of pathogenicity. Review status: criteria provided, conflicting classifications (1 of 4 stars). 4 submissions from 4 submitters: Uncertain significance (1); Benign (1); Likely benign (2). Last evaluated 2026-07-15.

Conditions:
Rhabdoid tumor predisposition syndrome 2 (RTPS2). Identifiers: Orphanet 231108, Orphanet 69077, MedGen C2750074, MONDO:0013224, OMIM 613325.
Hereditary cancer-predisposing syndrome. Also called: Neoplastic Syndromes, Hereditary; Tumor predisposition; Hereditary Cancer Syndrome; Hereditary neoplastic syndrome. Identifiers: Orphanet 140162, MedGen C0027672, MeSH D009386, MONDO:0015356.

Allele frequency attached by ClinVar (database versions not stated): gnomAD 0.00001; TOPMed below 0.00001.
gnomAD v4.1: 1 of 1,613,316 alleles (0.000062%); highest among the groups gnomAD compares: African/African-American, 0.0013%; no homozygotes.

Submissions (4):

Myriad Genetics, Inc.
Classification: Benign for Rhabdoid tumor predisposition syndrome 2. Last evaluated: 2026-07-15. Review status: criteria provided, single submitter. Criteria: Myriad Autosomal Dominant, Autosomal Recessive and X-Linked Classification Criteria (2023). Collection method: clinical testing. Allele origin: unknown.
Comment: This variant is considered benign. This variant is a silent/synonymous amino acid change and it is not expected to impact splicing.

Labcorp Genetics (formerly Invitae), Labcorp
Classification: Likely benign for Rhabdoid tumor predisposition syndrome 2. Last evaluated: 2024-06-03. Review status: criteria provided, single submitter. Criteria: Invitae Variant Classification Sherloc (09022015). Collection method: clinical testing. Allele origin: germline.

Ambry Genetics
Classification: Likely benign for Hereditary cancer-predisposing syndrome. Last evaluated: 2023-11-05. Review status: criteria provided, single submitter. Criteria: Ambry Variant Classification Scheme 2023. Collection method: clinical testing. Allele origin: germline.

GeneDx
Classification: Uncertain significance. Last evaluated: 2022-09-22. Review status: criteria provided, single submitter. Criteria: GeneDx Variant Classification Process June 2021. Collection method: clinical testing. Allele origin: germline. Affected: yes.
Comment: Not observed at significant frequency in large population cohorts (gnomAD); In silico analysis supports that this variant does not alter splicing; Has not been previously published as pathogenic or benign to our knowledge